The following is an entry in ClinVar:

NM_032122.5(DTNBP1):c.928A>G (p.Ile310Val)

Gene: DTNBP1 (dystrobrevin binding protein 1; minus strand). Cytogenetic location: 6p22.3.
Variant type: single nucleotide variant.
Coding change: c.928A>G on transcript NM_032122.5 (MANE Select); coding-DNA position 928, A replaced by G.
Protein change: p.Ile310Val; replaces isoleucine 310 with valine.
Molecular consequence: missense variant.
Genome position (GRCh38, 1-based): chr6:15,523,103, T>C on the plus strand (A>G on the coding strand, the complement: DTNBP1 is on the minus strand). VCF-style: chr6-15523103-T-C. GRCh37 (hg19) VCF-style: chr6-15523334-T-C.
Other names: c.685A>G, p.Ile229Val (NM_001271667.2); c.877A>G, p.Ile293Val (NM_001271668.2); c.823A>G, p.Ile275Val (NM_001271669.2); c.928A>G (NM_032122.4); short protein forms I293V, I275V, I229V, I310V.
Identifiers: ClinVar variation 1444157 (VCV001444157.7), dbSNP rs556719970, ClinGen allele CA3643687.

ClinVar aggregate classification (germline): Uncertain significance. Review status: criteria provided, multiple submitters, no conflicts (2 of 4 stars). 2 submissions from 2 submitters: Uncertain significance (2). Last evaluated 2025-07-14.

Conditions:
Inborn genetic diseases. Identifiers: MedGen C0950123, MeSH D030342.

Allele frequency attached by ClinVar (database versions not stated): ExAC 0.00001; gnomAD exomes 0.00001; gnomAD 0.00002 and 0.00003; TOPMed 0.00006; 1000 Genomes Project 0.00020; 1000 Genomes Project 30x 0.00031.

Submissions (2):

Ambry Genetics
Classification: Uncertain significance for Inborn genetic diseases. Last evaluated: 2025-07-14. Review status: criteria provided, single submitter. Criteria: Ambry Variant Classification Scheme 2023. Collection method: clinical testing. Allele origin: germline.

Labcorp Genetics (formerly Invitae), Labcorp
Classification: Uncertain significance. Last evaluated: 2021-05-01. Review status: criteria provided, single submitter. Criteria: Invitae Variant Classification Sherloc (09022015). Collection method: clinical testing. Allele origin: germline.
Comment: In summary, the available evidence is currently insufficient to determine the role of this variant in disease. Therefore, it has been classified as a Variant of Uncertain Significance. Algorithms developed to predict the effect of sequence changes on RNA splicing suggest that this variant may create or strengthen a splice site, but this prediction has not been confirmed by published transcriptional studies. Algorithms developed to predict the effect of missense changes on protein structure and function (SIFT, PolyPhen-2, Align-GVGD) all suggest that this variant is likely to be tolerated, but these predictions have not been confirmed by published functional studies and their clinical significance is uncertain. This variant has not been reported in the literature in individuals with DTNBP1-related conditions. This variant is present in population databases (rs556719970, ExAC 0.01%). This sequence change replaces isoleucine with valine at codon 310 of the DTNBP1 protein (p.Ile310Val). The isoleucine residue is weakly conserved and there is a small physicochemical difference between isoleucine and valine.